The following is an entry in ClinVar:

NM_001379500.1(COL18A1):c.2138T>C (p.Val713Ala)

Gene: COL18A1 (collagen type XVIII alpha 1 chain; plus strand). Cytogenetic location: 21q22.3.
Variant type: single nucleotide variant.
Coding change: c.2138T>C on transcript NM_001379500.1 (MANE Select); coding-DNA position 2138, T replaced by C.
Protein change: p.Val713Ala; replaces valine 713 with alanine.
Molecular consequence: missense variant.
Genome position (GRCh38, 1-based): chr21:45,491,295, T>C. VCF-style: chr21-45491295-T-C. GRCh37 (hg19) VCF-style: chr21-46911209-T-C.
Other names: NM_130445.2:c.2138T>C; c.2678T>C, p.Val893Ala (NM_030582.4); c.3383T>C, p.Val1128Ala (NM_130444.3); c.2678T>C (NM_030582.3); short protein forms V713A, V893A, V1128A.
Identifiers: ClinVar variation 1348949 (VCV001348949.7), dbSNP rs367570320, ClinGen allele CA321919104.

ClinVar aggregate classification (germline): Uncertain significance. Review status: criteria provided, multiple submitters, no conflicts (2 of 4 stars). 3 submissions from 3 submitters: Uncertain significance (3). Last evaluated 2026-06-09.

Conditions:
COL18A1-related disorder. Also called: COL18A1-related condition; COL18A1-related disorders.
Inborn genetic diseases. Identifiers: MedGen C0950123, MeSH D030342.

Allele frequency attached by ClinVar (database versions not stated): gnomAD 0.00002; TOPMed 0.00003; ESP Exome Variant Server 0.00008.
gnomAD v4.1: 4 of 1,611,502 alleles (0.00025%); highest among the groups gnomAD compares: African/African-American, 0.004%; no homozygotes.

Submissions (3):

PreventionGenetics, part of Exact Sciences
Classification: Uncertain significance for COL18A1-related condition. Last evaluated: 2026-06-09. Review status: criteria provided, single submitter. Criteria: ACMG Guidelines, 2015. Collection method: clinical testing. Allele origin: germline.
Comment: The COL18A1 c.2678T>C variant is predicted to result in the amino acid substitution p.Val893Ala. To our knowledge, this variant has not been reported in the literature. This variant is reported in 0.023% of alleles in individuals of African descent in gnomAD. At this time, the clinical significance of this variant is uncertain due to the absence of conclusive functional and genetic evidence.

Labcorp Genetics (formerly Invitae), Labcorp
Classification: Uncertain significance. Last evaluated: 2025-08-20. Review status: criteria provided, single submitter. Criteria: Invitae Variant Classification Sherloc (09022015). Collection method: clinical testing. Allele origin: germline.
Comment: This sequence change replaces valine, which is neutral and non-polar, with alanine, which is neutral and non-polar, at codon 713 of the COL18A1 protein (p.Val713Ala). This variant is present in population databases (rs367570320, gnomAD 0.02%). This variant has not been reported in the literature in individuals affected with COL18A1-related conditions. ClinVar contains an entry for this variant (Variation ID: 1348949). Experimental studies and prediction algorithms are not available or were not evaluated, and the functional significance of this variant is currently unknown. In summary, the available evidence is currently insufficient to determine the role of this variant in disease. Therefore, it has been classified as a Variant of Uncertain Significance.

Ambry Genetics
Classification: Uncertain significance for Inborn genetic diseases. Last evaluated: 2023-06-22. Review status: criteria provided, single submitter. Criteria: Ambry Variant Classification Scheme 2023. Collection method: clinical testing. Allele origin: germline.